The following is an entry in ClinVar:

ClinVar aggregate classification (germline): Uncertain significance (1 of 4 stars; one submission).

Conditions:
Inborn genetic diseases. Identifiers: MedGen C0950123, MeSH D030342.

Allele frequency attached by ClinVar (database versions not stated): TOPMed below 0.00001.
gnomAD v4.1: 5 of 1,614,202 alleles (0.00031%); highest among the groups gnomAD compares: Non-Finnish European, 0.00042%; no homozygotes.

Submission:

Ambry Genetics
Classification: Uncertain significance for Inborn genetic diseases. Last evaluated: 2026-01-07. Review status: criteria provided, single submitter. Criteria: Ambry Variant Classification Scheme 2023. Collection method: clinical testing. Allele origin: germline.
Comment: The c.269C>T (p.P90L) alteration is located in coding exon 4 of the NDUFS3 gene. This alteration results from a C to T substitution at nucleotide position 269, causing the proline (P) at amino acid position 90 to be replaced by a leucine (L). This variant was not reported in population-based cohorts in the Genome Aggregation Database (gnomAD). This amino acid position is highly conserved in available vertebrate species. This alteration is predicted to be deleterious by in silico analysis. Based on insufficient or conflicting evidence, the clinical significance of this alteration remains unclear.

NM_004551.3(NDUFS3):c.269C>T (p.Pro90Leu)

Gene: NDUFS3 (NADH:ubiquinone oxidoreductase core subunit S3; plus strand). Cytogenetic location: 11p11.2.
Variant type: single nucleotide variant.
Coding change: c.269C>T on transcript NM_004551.3 (MANE Select); coding-DNA position 269, C replaced by T.
Protein change: p.Pro90Leu; replaces proline 90 with leucine.
Molecular consequence: missense variant.
Genome position (GRCh38, 1-based): chr11:47,580,872, C>T. VCF-style: chr11-47580872-C-T. GRCh37 (hg19) VCF-style: chr11-47602424-C-T.
Other names: short protein forms P90L.
Identifiers: ClinVar variation 521603 (VCV000521603.5), dbSNP rs1555198835, ClinGen allele CA380358427.
Genomic context (GRCh38, chr11:47,580,872, plus strand): 5'-TCCCCTCACTTTCATGTGTGCAGGTGTCCTGCTTCAATGAGTTAGAGGTCTGTATCCATC[C>T]TGATGGCGTCATCCCAGTGCTGACTTTCCTCAGGGATCACACCAATGCACAGTTCAAATC-3'
Protein context (NP_004542.1, residues 80-100): CFNELEVCIH[Pro90Leu]DGVIPVLTFL